The following is an entry in ClinVar:

ClinVar aggregate classification (germline): Benign (1 of 4 stars; one submission).

Allele frequency attached by ClinVar (database versions not stated): 1000 Genomes Project 0.08067; 1000 Genomes Project 30x 0.08104; TOPMed 0.13625; gnomAD 0.14923 and 0.15240.
gnomAD v4.1: 22,665 of 152,058 alleles (15%); highest among the groups gnomAD compares: Non-Finnish European, 21%; 2,217 homozygotes.

Submission:

GeneDx
Classification: Benign. Last evaluated: 2018-06-19. Review status: criteria provided, single submitter. Criteria: GeneDx Variant Classification (06012015). Collection method: clinical testing. Allele origin: germline. Affected: yes.
Comment: This variant is considered likely benign or benign based on one or more of the following criteria: it is a conservative change, it occurs at a poorly conserved position in the protein, it is predicted to be benign by multiple in silico algorithms, and/or has population frequency not consistent with disease.

NM_000093.5(COL5A1):c.5371-289T>C

Genes: COL5A1 (collagen type V alpha 1 chain; plus strand), LOC101448202 (uncharacterized LOC101448202; minus strand). Cytogenetic location: 9q34.3.
Variant type: single nucleotide variant.
Coding change: c.5371-289T>C on transcript NM_000093.5 (MANE Select); 289 bases into the intron before coding-DNA position 5371, T replaced by C.
Molecular consequence: intron variant.
Genome position (GRCh38, 1-based): chr9:134,841,868, T>C. VCF-style: chr9-134841868-T-C. GRCh37 (hg19) VCF-style: chr9-137733714-T-C.
Other names: c.5371-289T>C (NM_001278074.1).
Identifiers: ClinVar variation 668712 (VCV000668712.1), dbSNP rs11103543, ClinGen allele CA12975230.